The following is an entry in ClinVar:

NM_017649.5(CNNM2):c.25C>A (p.Pro9Thr)

Gene: CNNM2 (cyclin and CBS domain divalent metal cation transport mediator 2; plus strand). Cytogenetic location: 10q24.32.
Variant type: single nucleotide variant.
Coding change: c.25C>A on transcript NM_017649.5 (MANE Select); coding-DNA position 25, C replaced by A.
Protein change: p.Pro9Thr; replaces proline 9 with threonine.
Molecular consequence: missense variant.
Genome position (GRCh38, 1-based): chr10:102,918,505, C>A. VCF-style: chr10-102918505-C-A. GRCh37 (hg19) VCF-style: chr10-104678262-C-A.
Other names: c.25C>A, p.Pro9Thr (NM_199076.3, NM_199077.3); short protein forms P9T.
Identifiers: ClinVar variation 4692922 (VCV004692922.1).

ClinVar aggregate classification (germline): Uncertain significance (1 of 4 stars; one submission).

gnomAD v4.1: 2 of 1,607,470 alleles (0.00012%); highest among the groups gnomAD compares: Non-Finnish European, 0.000085%; no homozygotes.

Submission:

Labcorp Genetics (formerly Invitae), Labcorp
Classification: Uncertain significance. Last evaluated: 2026-01-11. Review status: criteria provided, single submitter. Criteria: Invitae Variant Classification Sherloc (09022015). Collection method: clinical testing. Allele origin: germline.
Comment: This sequence change replaces proline, which is neutral and non-polar, with threonine, which is neutral and polar, at codon 9 of the CNNM2 protein (p.Pro9Thr). This variant is not present in population databases (gnomAD no frequency). This variant has not been reported in the literature in individuals affected with CNNM2-related conditions. An algorithm developed to predict the effect of missense changes on protein structure and function (PolyPhen-2) suggests that this variant is likely to be disruptive. In summary, the available evidence is currently insufficient to determine the role of this variant in disease. Therefore, it has been classified as a Variant of Uncertain Significance.